The following is an entry in ClinVar:

ClinVar aggregate classification (germline): Likely benign (1 of 4 stars; one submission).

Conditions:
Malignant hyperthermia, susceptibility to, 1 (MHS1). Also called: Anesthesia related hyperthermia; Malignant hyperpyrexia; Fulminating hyperpyrexia; Pharmacogenic myopathy; Malignant hyperthermia suceptibility 1; RYR1-Related Malignant Hyperthermia Susceptibility. Identifiers: Orphanet 423, MedGen C2930980, MONDO:0007783, OMIM 145600.

Submission:

All of Us Research Program, National Institutes of Health
Classification: Likely benign for Malignant hyperthermia, susceptibility to, 1. Last evaluated: 2024-07-20. Review status: criteria provided, single submitter. Criteria: ACMG Guidelines, 2015. Collection method: clinical testing. Allele origin: germline. Inheritance: Autosomal dominant inheritance. Observed: 1 variant allele, 1 heterozygote.
Comment: This study involves interpretation of variants in research participants for the purpose of population health screening. Participant phenotype was not available at the time of variant classification. Additional details can be found in publication PMID: 35346344, PMCID: PMC8962531

NM_000540.3(RYR1):c.14365-11T>G

Gene: RYR1 (ryanodine receptor 1; plus strand). Cytogenetic location: 19q13.2.
Variant type: single nucleotide variant.
Coding change: c.14365-11T>G on transcript NM_000540.3 (MANE Select); 11 bases into the intron before coding-DNA position 14365, T replaced by G.
Molecular consequence: intron variant.
Genome position (GRCh38, 1-based): chr19:38,579,971, T>G. VCF-style: chr19-38579971-T-G. GRCh37 (hg19) VCF-style: chr19-39070611-T-G.
Other names: c.14350-11T>G (NM_001042723.2).
Identifiers: ClinVar variation 3385623 (VCV003385623.1).